The following is an entry in ClinVar:

NM_000492.4(CFTR):c.1079C>T (p.Thr360Ile)

Gene: CFTR (CF transmembrane conductance regulator; plus strand). Cytogenetic location: 7q31.2.
Variant type: single nucleotide variant.
Coding change: c.1079C>T on transcript NM_000492.4 (MANE Select); coding-DNA position 1079, C replaced by T.
Protein change: p.Thr360Ile; replaces threonine 360 with isoleucine.
Molecular consequence: missense variant.
Genome position (GRCh38, 1-based): chr7:117,540,309, C>T. VCF-style: chr7-117540309-C-T. GRCh37 (hg19) VCF-style: chr7-117180363-C-T.
Other names: short protein forms T360I.
Identifiers: ClinVar variation 1785748 (VCV001785748.6), dbSNP rs75053309, ClinGen allele CA4450886.

ClinVar aggregate classification (germline): Uncertain significance. Review status: criteria provided, multiple submitters, no conflicts (2 of 4 stars). 4 submissions from 4 submitters: Uncertain significance (4). Last evaluated 2024-08-06.

Conditions:
Cystic fibrosis (CF). Also called: MUCOVISCIDOSIS. Identifiers: Orphanet 586, MedGen C0010674, MONDO:0009061, OMIM 219700. Disease mechanism: loss of function.

Allele frequency attached by ClinVar (database versions not stated): gnomAD 0.00002; TOPMed 0.00002; gnomAD exomes 0.00003; ExAC 0.00018.
gnomAD v4.1: 51 of 1,613,676 alleles (0.0032%); highest among the groups gnomAD compares: Non-Finnish European, 0.0039%; no homozygotes.

Submissions (4):

Ambry Genetics
Classification: Uncertain significance for Cystic fibrosis. Last evaluated: 2024-08-06. Review status: criteria provided, single submitter. Criteria: Ambry Variant Classification Scheme 2023. Collection method: clinical testing. Allele origin: germline.
Comment: The p.T360I variant (also known as c.1079C>T), located in coding exon 8 of the CFTR gene, results from a C to T substitution at nucleotide position 1079. The threonine at codon 360 is replaced by isoleucine, an amino acid with similar properties. This variant was reported in a cohort of 105 Russian patients with chronic pancreatitis (Litvinova MM et al. Sovrem Tekhnologii Med, 2023 Mar;15:60-70). This amino acid position is not well conserved in available vertebrate species. In addition, the in silico prediction for this alteration is inconclusive. Based on the available evidence, the clinical significance of this variant remains unclear.

Clinical Genetics Laboratory, Skane University Hospital Lund
Classification: Uncertain significance. Last evaluated: 2022-07-13. Review status: criteria provided, single submitter. Criteria: ACMG Guidelines, 2015. Collection method: clinical testing. Allele origin: germline. Affected: yes.

Labcorp Genetics (formerly Invitae), Labcorp
Classification: Uncertain significance for Cystic fibrosis. Last evaluated: 2021-10-04. Review status: criteria provided, single submitter. Criteria: Invitae Variant Classification Sherloc (09022015). Collection method: clinical testing. Allele origin: germline.
Comment: This sequence change replaces threonine with isoleucine at codon 360 of the CFTR protein (p.Thr360Ile). The threonine residue is weakly conserved and there is a moderate physicochemical difference between threonine and isoleucine. This variant is present in population databases (rs75053309, ExAC 0.03%). This variant has not been reported in the literature in individuals affected with CFTR-related conditions. Algorithms developed to predict the effect of missense changes on protein structure and function output the following: SIFT: "Tolerated"; PolyPhen-2: "Benign"; Align-GVGD: "Class C0". The isoleucine amino acid residue is found in multiple mammalian species, which suggests that this missense change does not adversely affect protein function. In summary, the available evidence is currently insufficient to determine the role of this variant in disease. Therefore, it has been classified as a Variant of Uncertain Significance.

Blueprint Genetics
Classification: Uncertain significance. Last evaluated: 2020-12-10. Review status: criteria provided, single submitter. Criteria: ACMG Guidelines, 2015. Collection method: clinical testing. Allele origin: germline.

Literature cited by the submitters: PubMed 37389024 (cited by Ambry Genetics).